The following is an entry in ClinVar:

NM_005476.7(GNE):c.616+1G>A

Gene: GNE (glucosamine (UDP-N-acetyl)-2-epimerase/N-acetylmannosamine kinase; minus strand). Cytogenetic location: 9p13.3.
Variant type: single nucleotide variant.
Coding change: c.616+1G>A on transcript NM_005476.7 (MANE Select); the canonical splice donor site of the intron after coding-DNA position 616, G replaced by A.
Molecular consequence: splice donor variant.
Genome position (GRCh38, 1-based): chr9:36,246,030, C>T on the plus strand (G>A on the coding strand, the complement: GNE is on the minus strand). VCF-style: chr9-36246030-C-T. GRCh37 (hg19) VCF-style: chr9-36246027-C-T.
Other names: c.439+1G>A (NM_001190388.2, NM_001190384.3, NM_001374798.1); c.709+1G>A (NM_001128227.3); c.616+1G>A (NM_001374797.1, NM_001190383.3).
Identifiers: ClinVar variation 3755100 (VCV003755100.2).
Genomic context (GRCh38, chr9:36,246,030, plus strand): 5'-ATAGACGGAACATTTTCTGACAAAAACAGCCATTAGACTGACTAAAGTCTGAGATACGTA[C>T]CTAGCCACATGCGAATGATGCTCATGTAGTCTTTGTTCTTGGCTGAGAGAAGTTTGTCAT-3'

ClinVar aggregate classification (germline): Likely pathogenic (1 of 4 stars; one submission).

Conditions:
Sialuria. Also called: SIALURIA, FRENCH TYPE; Sialic Acid Storage Disease. Identifiers: Orphanet 3166, MedGen C0342853, MONDO:0010028, OMIM 269921.
GNE myopathy (NM). Also called: NONAKA DISTAL MYOPATHY; INCLUSION BODY MYOPATHY, HEREDITARY, AUTOSOMAL RECESSIVE; INCLUSION BODY MYOPATHY 2, AUTOSOMAL RECESSIVE; MYOPATHY, DISTAL, WITH OR WITHOUT RIMMED VACUOLES; IBM 2; Inclusion body myopathy autosomal recessive. Identifiers: Orphanet 602, MedGen C1853926, MONDO:0011603, OMIM 605820.

Submission:

Labcorp Genetics (formerly Invitae), Labcorp
Classification: Likely pathogenic for Sialuria; GNE myopathy. Last evaluated: 2024-03-04. Review status: criteria provided, single submitter. Criteria: Invitae Variant Classification Sherloc (09022015). Collection method: clinical testing. Allele origin: germline.
Comment: This sequence change affects a donor splice site in intron 3 of the GNE gene. It is expected to disrupt RNA splicing. Variants that disrupt the donor or acceptor splice site typically lead to a loss of protein function (PMID: 16199547), and loss-of-function variants in GNE are known to be pathogenic (PMID: 24027297). This variant is not present in population databases (gnomAD no frequency). This variant has not been reported in the literature in individuals affected with GNE-related conditions. Algorithms developed to predict the effect of sequence changes on RNA splicing suggest that this variant may disrupt the consensus splice site. In summary, the currently available evidence indicates that the variant is pathogenic, but additional data are needed to prove that conclusively. Therefore, this variant has been classified as Likely Pathogenic.

Literature cited by the submitters: PubMed 16199547; PubMed 24027297.